The following is an entry in ClinVar:

ClinVar aggregate classification (germline): Pathogenic (1 of 4 stars; one submission).

Allele frequency attached by ClinVar (database versions not stated): gnomAD 0.00001.
gnomAD v4.1: 1 of 1,612,354 alleles (0.000062%); highest among the groups gnomAD compares: African/African-American, 0.0013%; no homozygotes.

Submission:

Labcorp Genetics (formerly Invitae), Labcorp
Classification: Pathogenic. Last evaluated: 2023-08-03. Review status: criteria provided, single submitter. Criteria: Invitae Variant Classification Sherloc (09022015). Collection method: clinical testing. Allele origin: germline.
Comment: This sequence change creates a premature translational stop signal (p.Gln2522*) in the PCNT gene. It is expected to result in an absent or disrupted protein product. Loss-of-function variants in PCNT are known to be pathogenic (PMID: 18174396, 22821869). This variant is not present in population databases (gnomAD no frequency). This variant has not been reported in the literature in individuals affected with PCNT-related conditions. For these reasons, this variant has been classified as Pathogenic.

Literature cited by the submitters: PubMed 18174396; PubMed 22821869.

NM_006031.6(PCNT):c.7564C>T (p.Gln2522Ter)

Gene: PCNT (pericentrin; plus strand). Cytogenetic location: 21q22.3.
Variant type: single nucleotide variant.
Coding change: c.7564C>T on transcript NM_006031.6 (MANE Select); coding-DNA position 7564, C replaced by T.
Protein change: p.Gln2522Ter; replaces glutamine 2522 with a stop codon.
Molecular consequence: nonsense.
Genome position (GRCh38, 1-based): chr21:46,428,464, C>T. VCF-style: chr21-46428464-C-T. GRCh37 (hg19) VCF-style: chr21-47848378-C-T.
Other names: c.7210C>T, p.Gln2404Ter (NM_001315529.2); short protein forms Q2522*, Q2404*.
Identifiers: ClinVar variation 2835428 (VCV002835428.3), dbSNP rs2087603141, ClinGen allele CA410570222.